The following is an entry in ClinVar:

NM_006586.5(CNPY3):c.50TGC[8] (p.Leu25del)

Genes: CNPY3 (canopy FGF signaling regulator 3; plus strand), CNPY3-GNMT (CNPY3-GNMT readthrough; plus strand). Cytogenetic location: 6p21.1.
Variant type: Microsatellite.
Coding change: c.50TGC[8] on transcript NM_006586.5 (MANE Select); eight copies in a row of the 3-base unit TGC starting at c.50; the reference has nine copies in a row; one copy, 3 bases deleted.
Protein change: p.Leu25del; deletes leucine 25.
Molecular consequence: inframe deletion. On other transcripts: 5 prime UTR variant (2), non-coding transcript variant (9).
Genome position (GRCh38, 1-based): chr6:42,929,644-42,929,646, TGC deleted; deleting any 3 consecutive bases within chr6:42,929,620-42,929,646 gives the same sequence; the position shown is the placement nearest the transcript's 3' end. VCF-style (leftmost placement, unchanged base first): chr6-42929619-TTGC-T. GRCh37 (hg19) VCF-style: chr6-42897357-TTGC-T.
Other names: c.50TGC[8], p.Leu25del (NM_001318842.1, NM_001318847.2, NM_001318848.2 and 2 more transcripts); c.-94TGC[8] (NM_001318845.1, NM_001318856.2); short protein forms L25del.
Identifiers: ClinVar variation 3060774 (VCV003060774.2), dbSNP rs570105218, ClinGen allele CA3810351.

ClinVar aggregate classification (germline): Benign (0 of 4 stars; one submission).

Conditions:
CNPY3-related disorder. Also called: CNPY3-related condition.

Submission:

PreventionGenetics, part of Exact Sciences
Classification: Benign for CNPY3-related condition. Last evaluated: 2023-10-25. Review status: no assertion criteria provided. Collection method: clinical testing. Allele origin: germline.
Comment: This variant is classified as benign based on ACMG/AMP sequence variant interpretation guidelines (Richards et al. 2015 PMID: 25741868, with internal and published modifications).